The following is an entry in ClinVar:

NM_198578.4(LRRK2):c.5456_5457inv (p.Gly1819Asp)

Gene: LRRK2 (leucine rich repeat kinase 2; plus strand). Cytogenetic location: 12q12.
Variant type: Inversion.
Coding change: c.5456_5457inv on transcript NM_198578.4 (MANE Select).
Protein change: p.Gly1819Asp; replaces glycine 1819 with aspartic acid.
Molecular consequence: missense variant.
Genome position: GRCh38 VCF-style: chr12-40322457-GT-AC. GRCh37 (hg19) VCF-style: chr12-40716259-GT-AC.
Other names: short protein forms G1819D.
Identifiers: ClinVar variation 5023694 (VCV005023694.1).

ClinVar aggregate classification (germline): Uncertain significance (1 of 4 stars; one submission).

Conditions:
Inborn genetic diseases. Identifiers: MedGen C0950123, MeSH D030342.

Submission:

Ambry Genetics
Classification: Uncertain significance for Inborn genetic diseases. Last evaluated: 2026-08-05. Review status: criteria provided, single submitter. Criteria: Ambry Variant Classification Scheme 2023. Collection method: clinical testing. Allele origin: germline.
Comment: The c.5456_5457delGTinsAC (p.G1819D) variant, located in exon 37 (coding exon 37) of the LRRK2 gene, results from an in-frame deletion of GT and insertion of AC at nucleotide positions 5456 to 5457. This results in the substitution of the glycine residue for an aspartic acid residue at codon 1819. This variant was not reported in population-based cohorts in the Genome Aggregation Database (gnomAD). Another variant at the same codon, c.5456G>C (p.G1819A), has been identified in individual(s) with features consistent with LRRK2-related Parkinson disease (Chen, 2020; Chen, 2022). This amino acid position is highly conserved in available vertebrate species. Based on insufficient or conflicting evidence, the clinical significance of this alteration remains unclear.

Literature cited by the submitters: PubMed 32677286; PubMed 35861376.